The following is an entry in ClinVar:

NM_006767.4(LZTR1):c.1322del (p.Gln441fs)

Gene: LZTR1 (leucine zipper like post translational regulator 1; plus strand). Cytogenetic location: 22q11.21.
Variant type: Deletion.
Coding change: c.1322del on transcript NM_006767.4 (MANE Select); coding-DNA position 1322, one base deleted (A; older notation c.1322delA).
Protein change: p.Gln441fs; shifts the reading frame from glutamine 441.
Molecular consequence: frameshift variant.
Genome position (GRCh38, 1-based): chr22:20,993,723, A deleted. VCF-style (leftmost placement, unchanged base first): chr22-20993722-CA-C. GRCh37 (hg19) VCF-style: chr22-21348011-CA-C.
Other names: short protein forms Q441fs.
Identifiers: ClinVar variation 4859401 (VCV004859401.1).

ClinVar aggregate classification (germline): Pathogenic (1 of 4 stars; one submission).

Conditions:
Cardiovascular phenotype. Identifiers: MedGen CN230736.
Hereditary cancer-predisposing syndrome. Also called: Neoplastic Syndromes, Hereditary; Tumor predisposition; Hereditary Cancer Syndrome; Hereditary neoplastic syndrome. Identifiers: Orphanet 140162, MedGen C0027672, MeSH D009386, MONDO:0015356.

Submission:

Ambry Genetics
Classification: Pathogenic for Cardiovascular phenotype; Hereditary cancer-predisposing syndrome. Last evaluated: 2026-05-06. Review status: criteria provided, single submitter. Criteria: Ambry Variant Classification Scheme 2023. Collection method: clinical testing. Allele origin: germline.
Comment: The c.1322delA pathogenic mutation, located in coding exon 12 of the LZTR1 gene, results from a deletion of one nucleotide at nucleotide position 1322, causing a translational frameshift with a predicted alternate stop codon (p.Q441Rfs*20). This variant is considered to be rare based on population cohorts in the Genome Aggregation Database (gnomAD). This alteration is expected to result in loss of function by premature protein truncation or nonsense-mediated mRNA decay. Based on the supporting evidence, this variant is pathogenic for an increased risk of LZTR1-related schwannomatosis (SWN) and would be expected to cause autosomal recessive Noonan syndrome when present along with a second pathogenic or likely pathogenic variant on the other allele; however, the association of this variant with autosomal dominant Noonan syndrome is unlikely.